The following is an entry in ClinVar:

NM_006445.4(PRPF8):c.5707G>A (p.Gly1903Arg)

Gene: PRPF8 (pre-mRNA processing factor 8; minus strand). Cytogenetic location: 17p13.3.
Variant type: single nucleotide variant.
Coding change: c.5707G>A on transcript NM_006445.4 (MANE Select); coding-DNA position 5707, G replaced by A.
Protein change: p.Gly1903Arg; replaces glycine 1903 with arginine.
Molecular consequence: missense variant.
Genome position (GRCh38, 1-based): chr17:1,656,478, C>T on the plus strand (G>A on the coding strand, the complement: PRPF8 is on the minus strand). VCF-style: chr17-1656478-C-T. GRCh37 (hg19) VCF-style: chr17-1559772-C-T.
Other names: short protein forms G1903R.
Identifiers: ClinVar variation 2506813 (VCV002506813.1), dbSNP rs2543723452, ClinGen allele CA397570304.

ClinVar aggregate classification (germline): Uncertain significance (1 of 4 stars; one submission).

Submission:

GeneDx
Classification: Uncertain significance. Last evaluated: 2022-12-20. Review status: criteria provided, single submitter. Criteria: GeneDx Variant Classification Process June 2021. Collection method: clinical testing. Allele origin: germline. Affected: yes.
Comment: Not observed at significant frequency in large population cohorts (gnomAD); In silico analysis supports that this missense variant has a deleterious effect on protein structure/function; Has not been previously published as pathogenic or benign to our knowledge